The following is an entry in ClinVar:

ClinVar aggregate classification (germline): Uncertain significance (1 of 4 stars; one submission).

Conditions:
Hereditary cancer-predisposing syndrome. Also called: Tumor predisposition; Neoplastic Syndromes, Hereditary; Hereditary neoplastic syndrome; Hereditary Cancer Syndrome. Identifiers: Orphanet 140162, MedGen C0027672, MeSH D009386, MONDO:0015356.

Submission:

Ambry Genetics
Classification: Uncertain significance for Hereditary cancer-predisposing syndrome. Last evaluated: 2024-09-13. Review status: criteria provided, single submitter. Criteria: Ambry Variant Classification Scheme 2023. Collection method: clinical testing. Allele origin: germline.
Comment: The c.315-5T>C intronic variant results from a T to C substitution 5 nucleotides upstream from coding exon 4 in the SDHD gene. This nucleotide position is not well conserved in available vertebrate species. In silico splice site analysis predicts that this alteration will not have any significant effect on splicing. Based on the available evidence, the clinical significance of this variant remains unclear.

NM_003002.4(SDHD):c.315-5T>C

Gene: SDHD (succinate dehydrogenase complex subunit D; plus strand). Cytogenetic location: 11q23.1.
Variant type: single nucleotide variant.
Coding change: c.315-5T>C on transcript NM_003002.4 (MANE Select); 5 bases into the intron before coding-DNA position 315, T replaced by C.
Molecular consequence: intron variant.
Genome position (GRCh38, 1-based): chr11:112,094,800, T>C. VCF-style: chr11-112094800-T-C. GRCh37 (hg19) VCF-style: chr11-111965524-T-C.
Other names: c.*13-5T>C (NM_001276506.2); c.170-5T>C (NM_001276503.2); c.198-5T>C (NM_001276504.2).
Identifiers: ClinVar variation 3438807 (VCV003438807.1).
Genomic context (GRCh38, chr11:112,094,800, plus strand): 5'-TCTGTATAGTCTTCTAATTTCACTGTGGTTTTTTATTGATGTTATGATTTTTTCTTTTTC[T>C]TTAGGGGCCTTGGACAAGTTGTTACTGACTATGTTCATGGGGATGCCTTGCAGAAAGCTG-3'